The following is an entry in ClinVar:

ClinVar aggregate classification (germline): Uncertain significance. Review status: criteria provided, multiple submitters, no conflicts (2 of 4 stars). 2 submissions from 2 submitters: Uncertain significance (2). Last evaluated 2024-12-12.

Conditions:
Capillary malformation-arteriovenous malformation syndrome. Also called: Capillary malformation-arteriovenous malformation. Identifiers: Orphanet 137667, MedGen C1842180, MONDO:0012016.
Cardiovascular phenotype. Identifiers: MedGen CN230736.

Submissions (2):

Labcorp Genetics (formerly Invitae), Labcorp
Classification: Uncertain significance for Capillary malformation-arteriovenous malformation syndrome. Last evaluated: 2024-12-12. Review status: criteria provided, single submitter. Criteria: Invitae Variant Classification Sherloc (09022015). Collection method: clinical testing. Allele origin: germline.
Comment: This sequence change replaces glycine, which is neutral and non-polar, with tryptophan, which is neutral and slightly polar, at codon 82 of the RASA1 protein (p.Gly82Trp). This variant is present in population databases (rs767017718, gnomAD 0.009%). This variant has not been reported in the literature in individuals affected with RASA1-related conditions. ClinVar contains an entry for this variant (Variation ID: 834799). An algorithm developed to predict the effect of missense changes on protein structure and function (PolyPhen-2) suggests that this variant is likely to be disruptive. In summary, the available evidence is currently insufficient to determine the role of this variant in disease. Therefore, it has been classified as a Variant of Uncertain Significance.

Ambry Genetics
Classification: Uncertain significance for Cardiovascular phenotype. Last evaluated: 2024-08-08. Review status: criteria provided, single submitter. Criteria: Ambry Variant Classification Scheme 2023. Collection method: clinical testing. Allele origin: germline.
Comment: The p.G82W variant (also known as c.244G>T), located in coding exon 1 of the RASA1 gene, results from a G to T substitution at nucleotide position 244. The glycine at codon 82 is replaced by tryptophan, an amino acid with highly dissimilar properties. This amino acid position is highly conserved in available vertebrate species. In addition, this alteration is predicted to be tolerated by in silico analysis. Based on the available evidence, the clinical significance of this variant remains unclear.

NM_002890.3(RASA1):c.244G>T (p.Gly82Trp)

Gene: RASA1 (RAS p21 protein activator 1; plus strand). Cytogenetic location: 5q14.3.
Variant type: single nucleotide variant.
Coding change: c.244G>T on transcript NM_002890.3 (MANE Select); coding-DNA position 244, G replaced by T.
Protein change: p.Gly82Trp; replaces glycine 82 with tryptophan.
Molecular consequence: missense variant.
Genome position (GRCh38, 1-based): chr5:87,268,695, G>T. VCF-style: chr5-87268695-G-T. GRCh37 (hg19) VCF-style: chr5-86564512-G-T.
Other names: short protein forms G82W.
Identifiers: ClinVar variation 834799 (VCV000834799.11), dbSNP rs767017718, ClinGen allele CA3335358.